The following is an entry in ClinVar:

NM_000038.6(APC):c.7977G>C (p.Val2659=)

Gene: APC (APC regulator of Wnt signaling pathway; plus strand). Cytogenetic location: 5q22.2.
Variant type: single nucleotide variant.
Coding change: c.7977G>C on transcript NM_000038.6 (MANE Select); coding-DNA position 7977, G replaced by C.
Protein change: p.Val2659=; no amino-acid change (valine 2659 retained).
Molecular consequence: synonymous variant.
Genome position (GRCh38, 1-based): chr5:112,843,571, G>C. VCF-style: chr5-112843571-G-C. GRCh37 (hg19) VCF-style: chr5-112179268-G-C.
Other names: c.7977G>C, p.Val2659= (NM_001127510.3, NM_001354895.2); c.7923G>C, p.Val2641= (NM_001127511.3); c.8031G>C, p.Val2677= (NM_001354896.2); c.8007G>C, p.Val2669= (NM_001354897.2); c.7902G>C, p.Val2634= (NM_001354898.2); c.7893G>C, p.Val2631= (NM_001354899.2); c.7854G>C, p.Val2618= (NM_001354900.2); c.7800G>C, p.Val2600= (NM_001354901.2); and 5 more.
Identifiers: ClinVar variation 759299 (VCV000759299.11), dbSNP rs1392424178, ClinGen allele CA446210994.
Genomic context (GRCh38, chr5:112,843,571, plus strand): 5'-ATCAAAGACTCTAATTTATCAAATGGCACCTGCTGTTTCTAAAACAGAGGATGTTTGGGT[G>C]AGAATTGAGGACTGTCCCATTAACAATCCTAGATCTGGAAGATCTCCCACAGGTAATACT-3'
Protein context (NP_000029.2, residues 2649-2669): PAVSKTEDVW[Val2659=]RIEDCPINNP

ClinVar aggregate classification (germline): Benign/Likely benign. Review status: criteria provided, multiple submitters, no conflicts (2 of 4 stars). 3 submissions from 3 submitters: Benign (1); Likely benign (2). Last evaluated 2024-08-03.

Conditions:
Hereditary cancer-predisposing syndrome. Also called: Tumor predisposition; Neoplastic Syndromes, Hereditary; Hereditary Cancer Syndrome; Hereditary neoplastic syndrome. Identifiers: Orphanet 140162, MedGen C0027672, MeSH D009386, MONDO:0015356.
Familial adenomatous polyposis 1 (FAP1). Also called: POLYPOSIS, ADENOMATOUS INTESTINAL; FAMILIAL ADENOMATOUS POLYPOSIS 1, ATTENUATED. Identifiers: MedGen C2713442, MONDO:0021056, OMIM 175100. Disease mechanism: loss of function.

Submissions (3):

Ambry Genetics
Classification: Likely benign for Hereditary cancer-predisposing syndrome. Last evaluated: 2024-08-03. Review status: criteria provided, single submitter. Criteria: Ambry Variant Classification Scheme 2023. Collection method: clinical testing. Allele origin: germline.

Myriad Genetics, Inc.
Classification: Benign for Familial adenomatous polyposis 1. Last evaluated: 2024-04-11. Review status: criteria provided, single submitter. Criteria: Myriad Autosomal Dominant, Autosomal Recessive and X-Linked Classification Criteria (2023). Collection method: clinical testing. Allele origin: unknown.
Comment: This variant is considered benign. This variant is a silent/synonymous amino acid change and it is not expected to impact splicing.

Labcorp Genetics (formerly Invitae), Labcorp
Classification: Likely benign for Familial adenomatous polyposis 1. Last evaluated: 2018-04-27. Review status: criteria provided, single submitter. Criteria: Invitae Variant Classification Sherloc (09022015). Collection method: clinical testing. Allele origin: germline.